The following is an entry in ClinVar:

NM_003000.3(SDHB):c.659T>C (p.Ile220Thr)

Gene: SDHB (succinate dehydrogenase complex iron sulfur subunit B; minus strand). Cytogenetic location: 1p36.13.
Variant type: single nucleotide variant.
Coding change: c.659T>C on transcript NM_003000.3 (MANE Select); coding-DNA position 659, T replaced by C.
Protein change: p.Ile220Thr; replaces isoleucine 220 with threonine.
Molecular consequence: missense variant.
Genome position (GRCh38, 1-based): chr1:17,022,714, A>G on the plus strand (T>C on the coding strand, the complement: SDHB is on the minus strand). VCF-style: chr1-17022714-A-G. GRCh37 (hg19) VCF-style: chr1-17349209-A-G.
Other names: short protein forms I220T.
Identifiers: ClinVar variation 239437 (VCV000239437.21), dbSNP rs878854578, ClinGen allele CA10581744.

ClinVar aggregate classification (germline): Uncertain significance. Review status: criteria provided, multiple submitters, no conflicts (2 of 4 stars). 6 submissions from 6 submitters: Uncertain significance (5). 1 of the submissions does not count toward it. Last evaluated 2026-01-04.

Conditions:
Hereditary cancer-predisposing syndrome. Also called: Neoplastic Syndromes, Hereditary; Hereditary neoplastic syndrome; Hereditary Cancer Syndrome; Tumor predisposition. Identifiers: Orphanet 140162, MedGen C0027672, MeSH D009386, MONDO:0015356.
Gastrointestinal stromal tumor. Also called: Gastrointestinal stromal tumor, somatic; Gastrointestinal stroma tumor. Identifiers: Orphanet 44890, MedGen C0238198, MeSH D046152, MONDO:0011719, OMIM 606764, HP:0100723.
Pheochromocytoma. Also called: MAX-Related Hereditary Paraganglioma-Pheochromocytoma Syndrome. Identifiers: Orphanet 29072, MedGen C0031511, MONDO:0008233, OMIM 171300, HP:0002666.
Pheochromocytoma/paraganglioma syndrome 4. Also called: PARAGANGLIOMA, FAMILIAL MALIGNANT; PARAGANGLIOMAS, HEREDITARY EXTRAADRENAL; PHEOCHROMOCYTOMA, FAMILIAL EXTRAADRENAL; Paragangliomas 4; SDHB-Related Hereditary Paraganglioma-Pheochromocytoma Syndrome (Paragangliomas 4); SDHB-Related Hereditary Paraganglioma-Pheochromocytoma Syndrome. Identifiers: Orphanet 29072, MedGen C1861848, MONDO:0007273, OMIM 115310.

Allele frequency attached by ClinVar (database versions not stated): gnomAD exomes below 0.00001; TOPMed below 0.00001.
gnomAD v4.1: 5 of 1,613,858 alleles (0.00031%); highest among the groups gnomAD compares: East Asian, 0.0022%; no homozygotes.

Submissions (6):

Labcorp Genetics (formerly Invitae), Labcorp
Classification: Uncertain significance for Gastrointestinal stromal tumor; Pheochromocytoma/paraganglioma syndrome 4; Pheochromocytoma. Last evaluated: 2026-01-04. Review status: criteria provided, single submitter. Criteria: Invitae Variant Classification Sherloc (09022015). Collection method: clinical testing. Allele origin: germline.
Comment: This sequence change replaces isoleucine, which is neutral and non-polar, with threonine, which is neutral and polar, at codon 220 of the SDHB protein (p.Ile220Thr). This variant is not present in population databases (gnomAD no frequency). This variant has not been reported in the literature in individuals affected with SDHB-related conditions. ClinVar contains an entry for this variant (Variation ID: 239437). Invitae Evidence Modeling of protein sequence and biophysical properties (such as structural, functional, and spatial information, amino acid conservation, physicochemical variation, residue mobility, and thermodynamic stability) indicates that this missense variant is not expected to disrupt SDHB protein function with a negative predictive value of 80%. In summary, the available evidence is currently insufficient to determine the role of this variant in disease. Therefore, it has been classified as a Variant of Uncertain Significance.

Ambry Genetics
Classification: Uncertain significance for Hereditary cancer-predisposing syndrome. Last evaluated: 2025-04-12. Review status: criteria provided, single submitter. Criteria: Ambry Variant Classification Scheme 2023. Collection method: clinical testing. Allele origin: germline.
Comment: The p.I220T variant (also known as c.659T>C), located in coding exon 7 of the SDHB gene, results from a T to C substitution at nucleotide position 659. The isoleucine at codon 220 is replaced by threonine, an amino acid with similar properties. This amino acid position is highly conserved in available vertebrate species. In addition, this alteration is predicted to be deleterious by in silico analysis. Based on the available evidence, the clinical significance of this variant remains unclear.

Quest Diagnostics Nichols Institute San Juan Capistrano
Classification: Uncertain significance. Last evaluated: 2024-07-29. Review status: criteria provided, single submitter. Criteria: Quest Diagnostics criteria. Collection method: clinical testing. Allele origin: unknown.

GeneDx
Classification: Uncertain significance. Last evaluated: 2024-03-14. Review status: criteria provided, single submitter. Criteria: GeneDx Variant Classification Process June 2021. Collection method: clinical testing. Allele origin: germline. Affected: yes.
Comment: Not observed at significant frequency in large population cohorts (gnomAD); In silico analysis supports that this missense variant has a deleterious effect on protein structure/function; Has not been previously published as pathogenic or benign to our knowledge

Athena Diagnostics
Classification: Uncertain significance. Last evaluated: 2017-12-29. Review status: criteria provided, single submitter. Criteria: Athena Diagnostics Criteria. Collection method: clinical testing. Allele origin: germline.

Department of Pathology and Laboratory Medicine, Sinai Health System
Classification: Uncertain significance. Review status: no assertion criteria provided. Collection method: clinical testing. Allele origin: unknown. Affected: yes. Study: The Canadian Open Genetics Repository (COGR). Not counted in ClinVar's aggregate classification.
Comment: The SDHB p.Ile220Thr variant was not identified in the literature nor was it identified in Cosmic, LOVD 3.0 or in the following control databases: the 1000 Genomes Project, the NHLBI GO Exome Sequencing Project, or the Genome Aggregation Database (March 6, 2019, v2.1.1). The variant was identified in dbSNP (ID: rs878854578) and ClinVar (classified as uncertain significance by Athena Diagnostics, Ambry Genetics and Invitae). The p.Ile220 residue is conserved across mammals and other organisms, and computational analyses (PolyPhen-2, SIFT, AlignGVGD, BLOSUM, MutationTaster) suggest that the variant may impact the protein; however, this information is not predictive enough to assume pathogenicity. The variant occurs outside of the splicing consensus sequence and in silico or computational prediction software programs (SpliceSiteFinder, MaxEntScan, NNSPLICE, GeneSplicer) do not predict a difference in splicing. In summary, based on the above information the clinical significance of this variant cannot be determined with certainty at this time. This variant is classified as a variant of uncertain significance.